The following is an entry in ClinVar:

ClinVar aggregate classification (germline): Uncertain significance (1 of 4 stars; one submission).

Conditions:
Inborn genetic diseases. Identifiers: MedGen C0950123, MeSH D030342.

gnomAD v4.1: 1 of 1,613,628 alleles (0.000062%); highest among the groups gnomAD compares: Non-Finnish European, 0.000085%; no homozygotes.

Submission:

Ambry Genetics
Classification: Uncertain significance for Inborn genetic diseases. Last evaluated: 2025-11-11. Review status: criteria provided, single submitter. Criteria: Ambry Variant Classification Scheme 2023. Collection method: clinical testing. Allele origin: germline.
Comment: The p.K973E variant (also known as c.2917A>G), located in coding exon 1 of the SAMD9L gene, results from an A to G substitution at nucleotide position 2917. The lysine at codon 973 is replaced by glutamic acid, an amino acid with similar properties. This amino acid position is conserved. In addition, this alteration is predicted to be tolerated by in silico analysis. Based on the available evidence, the clinical significance of this variant remains unclear.

NM_152703.5(SAMD9L):c.2917A>G (p.Lys973Glu)

Gene: SAMD9L (sterile alpha motif domain containing 9 like; minus strand). Cytogenetic location: 7q21.2.
Variant type: single nucleotide variant.
Coding change: c.2917A>G on transcript NM_152703.5 (MANE Select); coding-DNA position 2917, A replaced by G.
Protein change: p.Lys973Glu; replaces lysine 973 with glutamic acid.
Molecular consequence: missense variant.
Genome position (GRCh38, 1-based): chr7:93,133,055, T>C on the plus strand (A>G on the coding strand, the complement: SAMD9L is on the minus strand). VCF-style: chr7-93133055-T-C. GRCh37 (hg19) VCF-style: chr7-92762368-T-C.
Other names: c.2917A>G, p.Lys973Glu (NM_001303496.3, NM_001303497.3, NM_001303498.3 and 5 more transcripts); short protein forms K973E.
Identifiers: ClinVar variation 4630114 (VCV004630114.1).